The following is an entry in ClinVar:

ClinVar aggregate classification (germline): Uncertain significance (1 of 4 stars; one submission).

Submission:

Labcorp Genetics (formerly Invitae), Labcorp
Classification: Uncertain significance. Last evaluated: 2025-03-10. Review status: criteria provided, single submitter. Criteria: Invitae Variant Classification Sherloc (09022015). Collection method: clinical testing. Allele origin: germline.
Comment: This sequence change replaces leucine, which is neutral and non-polar, with proline, which is neutral and non-polar, at codon 282 of the NLRP1 protein (p.Leu282Pro). This variant is not present in population databases (gnomAD no frequency). This variant has not been reported in the literature in individuals affected with NLRP1-related conditions. An algorithm developed to predict the effect of missense changes on protein structure and function (PolyPhen-2) suggests that this variant is likely to be disruptive. In summary, the available evidence is currently insufficient to determine the role of this variant in disease. Therefore, it has been classified as a Variant of Uncertain Significance.

NM_033004.4(NLRP1):c.845T>C (p.Leu282Pro)

Gene: NLRP1 (NLR family pyrin domain containing 1; minus strand). Cytogenetic location: 17p13.2.
Variant type: single nucleotide variant.
Coding change: c.845T>C on transcript NM_033004.4 (MANE Select); coding-DNA position 845, T replaced by C.
Protein change: p.Leu282Pro; replaces leucine 282 with proline.
Molecular consequence: missense variant.
Genome position (GRCh38, 1-based): chr17:5,559,851, A>G on the plus strand (T>C on the coding strand, the complement: NLRP1 is on the minus strand). VCF-style: chr17-5559851-A-G. GRCh37 (hg19) VCF-style: chr17-5463171-A-G.
Other names: c.845T>C, p.Leu282Pro (NM_001033053.3, NM_014922.5, NM_033006.4 and 1 more transcripts); short protein forms L282P.
Identifiers: ClinVar variation 4714826 (VCV004714826.1).
Genomic context (GRCh38, chr17:5,559,851, plus strand): 5'-TCAGGCCAGCTTCTCTTGACCAGGGGATCTTGGCTTCTGGGGTGAGGTCTTTGTAGAAGT[A>G]GCAGCTGTGTGAATTTTTGGTTAAAATCCTCATTTTTCCAGGGCCATGTGGAACAGAGGC-3'
Protein context (NP_127497.1, residues 272-292): EDFNQKFTQL[Leu282Pro]LLQRPHPRSQ